The following is an entry in ClinVar:

NM_001080517.3(SETD5):c.1071T>A (p.Asn357Lys)

Gene: SETD5 (SET domain containing 5; plus strand). Cytogenetic location: 3p25.3.
Variant type: single nucleotide variant.
Coding change: c.1071T>A on transcript NM_001080517.3 (MANE Select); coding-DNA position 1071, T replaced by A.
Protein change: p.Asn357Lys; replaces asparagine 357 with lysine.
Molecular consequence: missense variant.
Genome position (GRCh38, 1-based): chr3:9,442,239, T>A. VCF-style: chr3-9442239-T-A. GRCh37 (hg19) VCF-style: chr3-9483923-T-A.
Other names: c.777T>A, p.Asn259Lys (NM_001292043.2, NM_001349451.2); short protein forms N259K, N357K.
Identifiers: ClinVar variation 949770 (VCV000949770.2), dbSNP rs2041379399, ClinGen allele CA351689666.

ClinVar aggregate classification (germline): Likely pathogenic (1 of 4 stars; one submission).

Submission:

Labcorp Genetics (formerly Invitae), Labcorp
Classification: Likely pathogenic. Last evaluated: 2019-04-18. Review status: criteria provided, single submitter. Criteria: Invitae Variant Classification Sherloc (09022015). Collection method: clinical testing. Allele origin: germline.
Comment: This sequence change replaces asparagine with lysine at codon 357 of the SETD5 protein (p.Asn357Lys). The asparagine residue is highly conserved and there is a moderate physicochemical difference between asparagine and lysine. This variant is not present in population databases (ExAC no frequency). Algorithms developed to predict the effect of missense changes on protein structure and function (SIFT, PolyPhen-2, Align-GVGD) all suggest that this variant is likely to be disruptive, but these predictions have not been confirmed by published functional studies and their clinical significance is uncertain. In summary, the currently available evidence indicates that the variant is pathogenic, but additional data are needed to prove that conclusively. Therefore, this variant has been classified as Likely Pathogenic.